The following is an entry in ClinVar:

ClinVar aggregate classification (germline): Pathogenic (1 of 4 stars; one submission).

Submission:

Labcorp Genetics (formerly Invitae), Labcorp
Classification: Pathogenic. Last evaluated: 2023-05-30. Review status: criteria provided, single submitter. Criteria: Invitae Variant Classification Sherloc (09022015). Collection method: clinical testing. Allele origin: germline.
Comment: This sequence change creates a premature translational stop signal (p.Leu526Cysfs*24) in the MED17 gene. It is expected to result in an absent or disrupted protein product. Loss-of-function variants in MED17 are known to be pathogenic (PMID: 20950787, 26004231, 30345598). This variant is not present in population databases (gnomAD no frequency). This variant has not been reported in the literature in individuals affected with MED17-related conditions. For these reasons, this variant has been classified as Pathogenic.

Literature cited by the submitters: PubMed 20950787; PubMed 26004231; PubMed 30345598.

NM_004268.5(MED17):c.1576del (p.Leu526fs)

Gene: MED17 (mediator complex subunit 17; plus strand). Cytogenetic location: 11q21.
Variant type: Deletion.
Coding change: c.1576del on transcript NM_004268.5 (MANE Select); coding-DNA position 1576, one base deleted (C; older notation c.1576delC).
Protein change: p.Leu526fs; shifts the reading frame from leucine 526.
Molecular consequence: frameshift variant.
Genome position (GRCh38, 1-based): chr11:93,807,627, C deleted. VCF-style (leftmost placement, unchanged base first): chr11-93807626-TC-T. GRCh37 (hg19) VCF-style: chr11-93540792-TC-T.
Other names: short protein forms L526fs.
Identifiers: ClinVar variation 2749801 (VCV002749801.3), dbSNP rs2497552012, ClinGen allele CA2697548868.